The following is an entry in ClinVar:

NM_014159.7(SETD2):c.1511T>C (p.Met504Thr)

Gene: SETD2 (SET domain containing 2, histone lysine methyltransferase; minus strand). Cytogenetic location: 3p21.31.
Variant type: single nucleotide variant.
Coding change: c.1511T>C on transcript NM_014159.7 (MANE Select); coding-DNA position 1511, T replaced by C.
Protein change: p.Met504Thr; replaces methionine 504 with threonine.
Molecular consequence: missense variant. On other transcripts: non-coding transcript variant (1).
Genome position (GRCh38, 1-based): chr3:47,123,125, A>G on the plus strand (T>C on the coding strand, the complement: SETD2 is on the minus strand). VCF-style: chr3-47123125-A-G. GRCh37 (hg19) VCF-style: chr3-47164615-A-G.
Other names: c.1379T>C, p.Met460Thr (NM_001349370.3); short protein forms M460T, M504T.
Identifiers: ClinVar variation 2653750 (VCV002653750.24), dbSNP rs986199418, ClinGen allele CA73811323.

ClinVar aggregate classification (germline): Uncertain significance (1 of 4 stars; one submission).

Allele frequency attached by ClinVar (database versions not stated): TOPMed below 0.00001; gnomAD 0.00001.
gnomAD v4.1: 6 of 1,613,396 alleles (0.00037%); highest among the groups gnomAD compares: African/African-American, 0.0013%; no homozygotes.

Submission:

CeGaT Center for Human Genetics Tuebingen
Classification: Uncertain significance. Last evaluated: 2022-03-01. Review status: criteria provided, single submitter. Criteria: CeGaT Center For Human Genetics Tuebingen Variant Classification Criteria Version 2. Collection method: clinical testing. Allele origin: germline. Affected: yes. Observed: 1 variant allele.
Comment: SETD2: PM2:Supporting, BP4